The following is an entry in ClinVar:

NM_174916.3(UBR1):c.2595A>G (p.Pro865=)

Gene: UBR1 (ubiquitin protein ligase E3 component n-recognin 1; minus strand). Cytogenetic location: 15q15.2.
Variant type: single nucleotide variant.
Coding change: c.2595A>G on transcript NM_174916.3 (MANE Select); coding-DNA position 2595, A replaced by G.
Protein change: p.Pro865=; no amino-acid change (proline 865 retained).
Molecular consequence: synonymous variant.
Genome position (GRCh38, 1-based): chr15:43,024,973, T>C on the plus strand (A>G on the coding strand, the complement: UBR1 is on the minus strand). VCF-style: chr15-43024973-T-C. GRCh37 (hg19) VCF-style: chr15-43317171-T-C.
Identifiers: ClinVar variation 736055 (VCV000736055.10), dbSNP rs148066298, ClinGen allele CA7518402.
Genomic context (GRCh38, chr15:43,024,973, plus strand): 5'-ATCACAGTTGAGAAGGTTAATCACTTTGCTGAAAGCAGGGCAGAATTCAGGAGGTGGTGG[T>C]GGCGGCAATGCTATAGGAGGTGGGGAATGGATGGGGAAAGAGACAAACAGGTACATTTTT-3'
Protein context (NP_777576.1, residues 855-875): KQENKDEALP[Pro865=]PPPPEFCPAF

ClinVar aggregate classification (germline): Likely benign. Review status: criteria provided, multiple submitters, no conflicts (2 of 4 stars). 3 submissions from 3 submitters: Likely benign (2). 1 of the submissions does not count toward it. Last evaluated 2024-10-14.

Conditions:
UBR1-related disorder. Also called: UBR1-related condition.

Allele frequency attached by ClinVar (database versions not stated): ExAC 0.00012; gnomAD 0.00014 and 0.00015; gnomAD exomes 0.00014 and 0.00036; TOPMed 0.00022; ESP Exome Variant Server 0.00062.
gnomAD v4.1: 565 of 1,614,028 alleles (0.035%); highest among the groups gnomAD compares: Non-Finnish European, 0.044%; 1 homozygote.

Submissions (3):

Labcorp Genetics (formerly Invitae), Labcorp
Classification: Likely benign. Last evaluated: 2024-10-14. Review status: criteria provided, single submitter. Criteria: Invitae Variant Classification Sherloc (09022015). Collection method: clinical testing. Allele origin: germline.

Blueprint Genetics
Classification: Likely benign. Last evaluated: 2024-04-04. Review status: criteria provided, single submitter. Criteria: ACMG Guidelines, 2015. Collection method: clinical testing. Allele origin: germline.

PreventionGenetics, part of Exact Sciences
Classification: Likely benign for UBR1-related condition. Last evaluated: 2024-07-13. Review status: no assertion criteria provided. Collection method: clinical testing. Allele origin: germline. Not counted in ClinVar's aggregate classification.
Comment: This variant is classified as likely benign based on ACMG/AMP sequence variant interpretation guidelines (Richards et al. 2015 PMID: 25741868, with internal and published modifications).